The following is an entry in ClinVar:

NM_004329.3(BMPR1A):c.455G>A (p.Arg152Gln)

Gene: BMPR1A (bone morphogenetic protein receptor type 1A; plus strand). Cytogenetic location: 10q23.2.
Variant type: single nucleotide variant.
Coding change: c.455G>A on transcript NM_004329.3 (MANE Select); coding-DNA position 455, G replaced by A.
Protein change: p.Arg152Gln; replaces arginine 152 with glutamine.
Molecular consequence: missense variant.
Genome position (GRCh38, 1-based): chr10:86,900,051, G>A. VCF-style: chr10-86900051-G-A. GRCh37 (hg19) VCF-style: chr10-88659808-G-A.
Other names: short protein forms R152Q.
Identifiers: ClinVar variation 482878 (VCV000482878.22), dbSNP rs567009904, ClinGen allele CA5585528.

ClinVar aggregate classification (germline): Conflicting classifications of pathogenicity. Review status: criteria provided, conflicting classifications (1 of 4 stars). 6 submissions from 6 submitters: Uncertain significance (5); Benign (1). Last evaluated 2025-11-30.

Conditions:
Polyposis syndrome, hereditary mixed, 2. Identifiers: Orphanet 157794, MedGen C1864730, MONDO:0012405, OMIM 610069.
Juvenile polyposis syndrome (JPS). Identifiers: Orphanet 2929, MedGen C0345893, MONDO:0017380, OMIM 174900.
Generalized juvenile polyposis/juvenile polyposis coli. Also called: Juvenile polyposis coli. Identifiers: Orphanet 329971, MedGen C1868081, MONDO:0008276.
Hereditary cancer-predisposing syndrome. Also called: Hereditary Cancer Syndrome; Tumor predisposition; Hereditary neoplastic syndrome; Neoplastic Syndromes, Hereditary. Identifiers: Orphanet 140162, MedGen C0027672, MeSH D009386, MONDO:0015356.

Allele frequency attached by ClinVar (database versions not stated): TOPMed 0.00002; gnomAD 0.00003 and 0.00002; 1000 Genomes Project 0.00020; gnomAD exomes 0.00001; 1000 Genomes Project 30x 0.00016; ExAC 0.00001.
gnomAD v4.1: 30 of 1,614,086 alleles (0.0019%); highest among the groups gnomAD compares: East Asian, 0.025%; no homozygotes.

Submissions (6):

Labcorp Genetics (formerly Invitae), Labcorp
Classification: Uncertain significance for Juvenile polyposis syndrome. Last evaluated: 2025-11-30. Review status: criteria provided, single submitter. Criteria: Invitae Variant Classification Sherloc (09022015). Collection method: clinical testing. Allele origin: germline.
Comment: This sequence change replaces arginine, which is basic and polar, with glutamine, which is neutral and polar, at codon 152 of the BMPR1A protein (p.Arg152Gln). This variant is present in population databases (rs567009904, gnomAD 0.006%). This variant has not been reported in the literature in individuals affected with BMPR1A-related conditions. ClinVar contains an entry for this variant (Variation ID: 482878). Invitae Evidence Modeling incorporating data from in vitro experimental studies (internal data) indicates that this missense variant is not expected to disrupt BMPR1A function with a negative predictive value of 95%. In summary, the available evidence is currently insufficient to determine the role of this variant in disease. Therefore, it has been classified as a Variant of Uncertain Significance.

Color Diagnostics, LLC DBA Color Health
Classification: Uncertain significance for Hereditary cancer-predisposing syndrome. Last evaluated: 2024-03-06. Review status: criteria provided, single submitter. Criteria: ACMG Guidelines, 2015. Collection method: clinical testing. Allele origin: germline.
Comment: This missense variant replaces arginine with glutamine at codon 152 of the BMPR1A protein. Computational prediction suggests that this variant may not impact protein structure and function (internally defined REVEL score threshold <= 0.5, PMID: 27666373). To our knowledge, functional studies have not been reported for this variant. This variant has not been reported in individuals affected with BMPR1A-related disorders in the literature. This variant has been identified in 5/282750 chromosomes in the general population by the Genome Aggregation Database (gnomAD). The available evidence is insufficient to determine the role of this variant in disease conclusively. Therefore, this variant is classified as a Variant of Uncertain Significance.

Fulgent Genetics
Classification: Uncertain significance for Juvenile polyposis syndrome; Polyposis syndrome, hereditary mixed, 2. Last evaluated: 2024-02-07. Review status: criteria provided, single submitter. Criteria: ACMG Guidelines, 2015. Collection method: clinical testing. Allele origin: germline.

All of Us Research Program, National Institutes of Health
Classification: Uncertain significance for Juvenile polyposis syndrome. Last evaluated: 2023-09-17. Review status: criteria provided, single submitter. Criteria: ACMG Guidelines, 2015. Collection method: clinical testing. Allele origin: germline. Inheritance: Autosomal dominant inheritance. Observed: 2 variant alleles, 2 heterozygotes.
Comment: This missense variant replaces arginine with glutamine at codon 152 of the BMPR1A protein. Computational prediction suggests that this variant may not impact protein structure and function (internally defined REVEL score threshold <= 0.5, PMID: 27666373). To our knowledge, functional studies have not been reported for this variant. This variant has not been reported in individuals affected with BMPR1A-related disorders in the literature. This variant has been identified in 5/282750 chromosomes in the general population by the Genome Aggregation Database (gnomAD). The available evidence is insufficient to determine the role of this variant in disease conclusively. Therefore, this variant is classified as a Variant of Uncertain Significance.

This study involves interpretation of variants in research participants for the purpose of population health screening. Participant phenotype was not available at the time of variant classification. Additional details can be found in publication PMID: 35346344, PMCID: PMC8962531

Ambry Genetics
Classification: Benign for Hereditary cancer-predisposing syndrome. Last evaluated: 2021-11-23. Review status: criteria provided, single submitter. Criteria: Ambry Variant Classification Scheme 2023. Collection method: clinical testing. Allele origin: germline.

Baylor Genetics
Classification: Uncertain significance for Juvenile polyposis syndrome. Last evaluated: 2018-02-26. Review status: criteria provided, single submitter. Criteria: ACMG Guidelines, 2015. Collection method: clinical testing. Allele origin: unknown. Affected: yes.
Comment: This variant was determined to be of uncertain significance according to ACMG Guidelines, 2015 [PMID:25741868].